The following is an entry in ClinVar:

ClinVar aggregate classification (germline): Uncertain significance (1 of 4 stars; one submission).

Conditions:
FADD-related immunodeficiency. Also called: Infections, recurrent, with encephalopathy, hepatic dysfunction, and cardiovascular malformations; FADD DEFICIENCY. Identifiers: Orphanet 306550, MedGen C3151062, MONDO:0013408, OMIM 613759.

Allele frequency attached by ClinVar (database versions not stated): gnomAD exomes 0.00003 and 0.00010; ExAC 0.00005; ESP Exome Variant Server 0.00008; gnomAD 0.00011 and 0.00012; TOPMed 0.00012.
gnomAD v4.1: 64 of 1,614,098 alleles (0.004%); highest among the groups gnomAD compares: Admixed American, 0.08%; 1 homozygote.

Submission:

Labcorp Genetics (formerly Invitae), Labcorp
Classification: Uncertain significance for FADD-related immunodeficiency. Last evaluated: 2024-12-20. Review status: criteria provided, single submitter. Criteria: Invitae Variant Classification Sherloc (09022015). Collection method: clinical testing. Allele origin: germline.
Comment: This sequence change replaces isoleucine, which is neutral and non-polar, with valine, which is neutral and non-polar, at codon 147 of the FADD protein (p.Ile147Val). This variant is present in population databases (rs140822085, gnomAD 0.08%). This variant has not been reported in the literature in individuals affected with FADD-related conditions. ClinVar contains an entry for this variant (Variation ID: 662236). An algorithm developed to predict the effect of missense changes on protein structure and function outputs the following: PolyPhen-2: "Benign". The valine amino acid residue is found in multiple mammalian species, which suggests that this missense change does not adversely affect protein function. In summary, the available evidence is currently insufficient to determine the role of this variant in disease. Therefore, it has been classified as a Variant of Uncertain Significance.

NM_003824.4(FADD):c.439A>G (p.Ile147Val)

Gene: FADD (Fas associated via death domain; plus strand). Cytogenetic location: 11q13.3.
Variant type: single nucleotide variant.
Coding change: c.439A>G on transcript NM_003824.4 (MANE Select); coding-DNA position 439, A replaced by G.
Protein change: p.Ile147Val; replaces isoleucine 147 with valine.
Molecular consequence: missense variant.
Genome position (GRCh38, 1-based): chr11:70,206,285, A>G. VCF-style: chr11-70206285-A-G. GRCh37 (hg19) VCF-style: chr11-70052391-A-G.
Other names: short protein forms I147V.
Identifiers: ClinVar variation 662236 (VCV000662236.7), dbSNP rs140822085, ClinGen allele CA6158484.